The following is an entry in ClinVar:

ClinVar aggregate classification (germline): Likely benign. Review status: criteria provided, multiple submitters, no conflicts (2 of 4 stars). 3 submissions from 3 submitters: Likely benign (3). Last evaluated 2024-07-09.

Conditions:
Hereditary cancer-predisposing syndrome. Also called: Neoplastic Syndromes, Hereditary; Hereditary neoplastic syndrome; Tumor predisposition; Hereditary Cancer Syndrome. Identifiers: Orphanet 140162, MedGen C0027672, MeSH D009386, MONDO:0015356.
Tuberous sclerosis syndrome (TSC). Also called: Tuberous Sclerosis Complex; Tuberous sclerosis. Identifiers: Orphanet 805, MedGen C0041341, MONDO:0001734.
Tuberous sclerosis 1 (TSC1). Identifiers: Orphanet 805, MedGen C1854465, MONDO:0008612, OMIM 191100.

Allele frequency attached by ClinVar (database versions not stated): gnomAD exomes below 0.00001.
gnomAD v4.1: 2 of 1,613,672 alleles (0.00012%); highest among the groups gnomAD compares: Non-Finnish European, 0.00017%; no homozygotes.

Submissions (3):

Ambry Genetics
Classification: Likely benign for Hereditary cancer-predisposing syndrome. Last evaluated: 2024-07-09. Review status: criteria provided, single submitter. Criteria: Ambry Variant Classification Scheme 2023. Collection method: clinical testing. Allele origin: germline.

All of Us Research Program, National Institutes of Health
Classification: Likely benign for Tuberous sclerosis syndrome. Last evaluated: 2023-06-08. Review status: criteria provided, single submitter. Criteria: ACMG Guidelines, 2015. Collection method: clinical testing. Allele origin: germline. Inheritance: Autosomal dominant inheritance. Observed: 1 variant allele, 1 heterozygote.
Comment: This study involves interpretation of variants in research participants for the purpose of population health screening. Participant phenotype was not available at the time of variant classification. Additional details can be found in publication PMID: 35346344, PMCID: PMC8962531

Labcorp Genetics (formerly Invitae), Labcorp
Classification: Likely benign for Tuberous sclerosis 1. Last evaluated: 2020-09-20. Review status: criteria provided, single submitter. Criteria: Invitae Variant Classification Sherloc (09022015). Collection method: clinical testing. Allele origin: germline.

NM_000368.5(TSC1):c.3114C>T (p.Ser1038=)

Gene: TSC1 (TSC complex subunit 1; minus strand). Cytogenetic location: 9q34.13.
Variant type: single nucleotide variant.
Coding change: c.3114C>T on transcript NM_000368.5 (MANE Select); coding-DNA position 3114, C replaced by T.
Protein change: p.Ser1038=; no amino-acid change (serine 1038 retained).
Molecular consequence: synonymous variant.
Genome position (GRCh38, 1-based): chr9:132,896,616, G>A on the plus strand (C>T on the coding strand, the complement: TSC1 is on the minus strand). VCF-style: chr9-132896616-G-A. GRCh37 (hg19) VCF-style: chr9-135772003-G-A.
Other names: c.3111C>T, p.Ser1037= (NM_001162426.2); c.2961C>T, p.Ser987= (NM_001162427.2); c.2751C>T, p.Ser917= (NM_001362177.2); c.3114C>T (NM_000368.4).
Identifiers: ClinVar variation 1132712 (VCV001132712.11), dbSNP rs1588287598, ClinGen allele CA467812835.